The following is an entry in ClinVar:

ClinVar aggregate classification (germline): Conflicting classifications of pathogenicity. Review status: criteria provided, conflicting classifications (1 of 4 stars). 10 submissions from 10 submitters: Uncertain significance (1); Benign (2); Likely benign (3). 4 of the submissions do not count toward it. Last evaluated 2026-06-01.

Conditions:
CHD7-related disorder. Also called: CHD7-related condition.
Amenorrhea. Identifiers: MedGen C0002453, MONDO:0001836, HP:0000141.
Hypogonadotropic hypogonadism 5 with or without anosmia (KAL5). Also called: HYPOGONADOTROPIC HYPOGONADISM 5 WITH ANOSMIA; HYPOGONADOTROPHIC HYPOGONADISM 5 WITHOUT ANOSMIA; CHD7-Related GnRH Deficiency (Kallmann Syndrome 5). Identifiers: Orphanet 478, MedGen C3552553, MONDO:0012880, OMIM 612370. Disease mechanism: loss of function.
CHARGE syndrome (CHARGE). Also called: Hittner Hirsch Kreh syndrome; Coloboma, heart anomaly, choanal atresia, retardation, genital and ear anomalies; CHARGE association; Hall-Hittner syndrome; CHARGE ASSOCIATION--COLOBOMA, HEART ANOMALY, CHOANAL ATRESIA, RETARDATION, GENITAL AND EAR ANOMALIES. Identifiers: Orphanet 138, MedGen C0265354, MONDO:0008965.
Inborn genetic diseases. Identifiers: MedGen C0950123, MeSH D030342.

Allele frequency attached by ClinVar (database versions not stated): gnomAD 0.00009 and 0.00011; TOPMed 0.00011; gnomAD exomes 0.00014 and 0.00019; ExAC 0.00021.

Submissions (10):

CeGaT Center for Human Genetics Tuebingen
Classification: Benign. Last evaluated: 2026-06-01. Review status: criteria provided, single submitter. Criteria: CeGaT Center For Human Genetics Tuebingen Variant Classification Criteria Version 2. Collection method: clinical testing. Allele origin: germline. Affected: yes. Observed: 6 variant alleles.
Comment: CHD7: BS1, BS2

Labcorp Genetics (formerly Invitae), Labcorp
Classification: Likely benign for CHARGE syndrome. Last evaluated: 2025-12-15. Review status: criteria provided, single submitter. Criteria: Invitae Variant Classification Sherloc (09022015). Collection method: clinical testing. Allele origin: germline.

Blueprint Genetics
Classification: Likely benign. Last evaluated: 2024-11-25. Review status: criteria provided, single submitter. Criteria: ACMG Guidelines, 2015. Collection method: clinical testing. Allele origin: germline.

GeneDx
Classification: Benign. Last evaluated: 2020-05-11. Review status: criteria provided, single submitter. Criteria: GeneDx Variant Classification Process June 2021. Collection method: clinical testing. Allele origin: germline. Affected: yes.
Comment: This variant is associated with the following publications: (PMID: 27168972)

Ambry Genetics
Classification: Likely benign for Inborn genetic diseases. Last evaluated: 2018-10-04. Review status: criteria provided, single submitter. Criteria: Ambry Variant Classification Scheme 2023. Collection method: clinical testing. Allele origin: germline.

Center for Genomics, Ann and Robert H. Lurie Children's Hospital of Chicago
Classification: Uncertain significance for Hypogonadotropic hypogonadism 5 with or without anosmia; CHD7-related CHARGE syndrome. Review status: criteria provided, single submitter. Criteria: ACMG Guidelines, 2015. Collection method: clinical testing. Allele origin: germline.
Comment: CHD7 NM_017780.3 exon2 p.Arg459Cys (c.1375C>T): This variant has not been reported in the literature but is present in 0.2% (19/10148) of Ashkenazi Jewish alleles in the Genome Aggregation Database. Evolutionary conservation and computational predictive tools for this variant are unclear. In summary, data on this variant is insufficient for disease classification. Therefore, the clinical significance of this variant is uncertain

PreventionGenetics, part of Exact Sciences
Classification: Likely benign for CHD7-related condition. Last evaluated: 2022-11-05. Review status: no assertion criteria provided. Collection method: clinical testing. Allele origin: germline. Not counted in ClinVar's aggregate classification.
Comment: This variant is classified as likely benign based on ACMG/AMP sequence variant interpretation guidelines (Richards et al. 2015 PMID: 25741868, with internal and published modifications).

Yale Center for Mendelian Genomics, Yale University
Classification: Uncertain significance for Amenorrhea. Last evaluated: 2021-03-08. Review status: no assertion criteria provided. Collection method: literature only. Allele origin: unknown. Affected: yes. Observed: 1 heterozygote. Study: Yale Center for Mendelian Genomics. Not counted in ClinVar's aggregate classification.

Clinical Genetics, Academic Medical Center
Classification: Uncertain significance. Review status: no assertion criteria provided. Collection method: clinical testing. Allele origin: germline. Affected: yes. Study: VKGL Data-share Consensus. Not counted in ClinVar's aggregate classification.

Laboratory of Diagnostic Genome Analysis, Leiden University Medical Center (LUMC)
Classification: Uncertain significance. Review status: no assertion criteria provided. Collection method: clinical testing. Allele origin: germline. Affected: yes. Study: VKGL Data-share Consensus. Not counted in ClinVar's aggregate classification.

Literature cited by the submitters: PubMed 32870266 (cited by Yale Center for Mendelian Genomics, Yale University).

NM_017780.4(CHD7):c.1375C>T (p.Arg459Cys)

Gene: CHD7 (chromodomain helicase DNA binding protein 7; plus strand). Cytogenetic location: 8q12.2.
Variant type: single nucleotide variant.
Coding change: c.1375C>T on transcript NM_017780.4 (MANE Select); coding-DNA position 1375, C replaced by T.
Protein change: p.Arg459Cys; replaces arginine 459 with cysteine.
Molecular consequence: missense variant.
Genome position (GRCh38, 1-based): chr8:60,742,807, C>T. VCF-style: chr8-60742807-C-T. GRCh37 (hg19) VCF-style: chr8-61655366-C-T.
Other names: c.1375C>T, p.Arg459Cys (NM_001316690.1); short protein forms R459C.
Identifiers: ClinVar variation 581160 (VCV000581160.62), dbSNP rs753953205, ClinGen allele CA4759480.